The following is an entry in ClinVar:

ClinVar aggregate classification (germline): Likely pathogenic (1 of 4 stars; one submission).

Submission:

GeneDx
Classification: Likely pathogenic. Last evaluated: 2017-03-06. Review status: criteria provided, single submitter. Criteria: GeneDx Variant Classification (06012015). Collection method: clinical testing. Allele origin: germline. Affected: yes.
Comment: The c.1978-1G>C variant in the COL3A1 gene has not been reported previously as a pathogenic variant nor as a benign variant, to our knowledge. This splice site variant destroys the canonical splice acceptor site in intron 28. It is predicted to cause abnormal gene splicing, either leading to an abnormal message that is subject to nonsense-mediated mRNA decay, or to an abnormal protein product if the message is used for protein translation. The c.1978-1G>C variant is not observed in large population cohorts (Lek et al., 2016; 1000 Genomes Consortium et al., 2015; Exome Variant Server). Loss-of-function variants are known to be pathogenic in this gene associated with Ehlers-Danlos syndrome, vascular type. Therefore, based on the ACMG recommendations, c.1978-1G>C is interpreted as an expected pathogenic sequence change.

NM_000090.4(COL3A1):c.1978-1G>C

Gene: COL3A1 (collagen type III alpha 1 chain; plus strand). Cytogenetic location: 2q32.2.
Variant type: single nucleotide variant.
Coding change: c.1978-1G>C on transcript NM_000090.4 (MANE Select); the canonical splice acceptor site of the intron before coding-DNA position 1978, G replaced by C.
Molecular consequence: splice acceptor variant.
Genome position (GRCh38, 1-based): chr2:188,998,673, G>C. VCF-style: chr2-188998673-G-C. GRCh37 (hg19) VCF-style: chr2-189863399-G-C.
Identifiers: ClinVar variation 423991 (VCV000423991.2), dbSNP rs1064796733, ClinGen allele CA16617392.